The following is an entry in ClinVar:

NM_001040142.2(SCN2A):c.811A>G (p.Met271Val)

Gene: SCN2A (sodium voltage-gated channel alpha subunit 2; plus strand). Cytogenetic location: 2q24.3.
Variant type: single nucleotide variant.
Coding change: c.811A>G on transcript NM_001040142.2 (MANE Select); coding-DNA position 811, A replaced by G.
Protein change: p.Met271Val; replaces methionine 271 with valine.
Molecular consequence: missense variant.
Genome position (GRCh38, 1-based): chr2:165,310,436, A>G. VCF-style: chr2-165310436-A-G. GRCh37 (hg19) VCF-style: chr2-166166946-A-G.
Other names: p.Met271Val; c.811A>G, p.Met271Val (NM_001040143.2, NM_001371246.1, NM_001371247.1 and 1 more transcripts); short protein forms M271V.
Identifiers: ClinVar variation 432605 (VCV000432605.18), dbSNP rs1553567946, ClinGen allele CA349018190.

ClinVar aggregate classification (germline): Uncertain significance. Review status: criteria provided, multiple submitters, no conflicts (2 of 4 stars). 3 submissions from 3 submitters: Uncertain significance (3). Last evaluated 2026-01-21.

Conditions:
Seizures, benign familial infantile, 3 (BFIS3). Also called: Familial neonatal seizures; CONVULSIONS, BENIGN FAMILIAL INFANTILE, 3. Identifiers: Orphanet 140927, Orphanet 306, MedGen C1843140, MONDO:0011904, OMIM 607745.
Developmental and epileptic encephalopathy, 11 (DEE11). Also called: Early infantile epileptic encephalopathy 11. Identifiers: Orphanet 1934, MedGen C3150987, MONDO:0013388, OMIM 613721.

gnomAD v4.1: 15 of 1,613,700 alleles (0.00093%); highest among the groups gnomAD compares: African/African-American, 0.0013%; no homozygotes.

Submissions (3):

Labcorp Genetics (formerly Invitae), Labcorp
Classification: Uncertain significance for Seizures, benign familial infantile, 3; Developmental and epileptic encephalopathy, 11. Last evaluated: 2026-01-21. Review status: criteria provided, single submitter. Criteria: Invitae Variant Classification Sherloc (09022015). Collection method: clinical testing. Allele origin: germline.
Comment: This sequence change replaces methionine, which is neutral and non-polar, with valine, which is neutral and non-polar, at codon 271 of the SCN2A protein (p.Met271Val). This variant is not present in population databases (gnomAD no frequency). This variant has not been reported in the literature in individuals affected with SCN2A-related conditions. ClinVar contains an entry for this variant (Variation ID: 432605). Invitae Evidence Modeling of protein sequence and biophysical properties (such as structural, functional, and spatial information, amino acid conservation, physicochemical variation, residue mobility, and thermodynamic stability) indicates that this missense variant is expected to disrupt SCN2A protein function with a positive predictive value of 95%. In summary, the available evidence is currently insufficient to determine the role of this variant in disease. Therefore, it has been classified as a Variant of Uncertain Significance.

GeneDx
Classification: Uncertain significance. Last evaluated: 2025-05-16. Review status: criteria provided, single submitter. Criteria: GeneDx Variant Classification Process June 2021. Collection method: clinical testing. Allele origin: germline. Affected: yes.
Comment: In silico analysis supports that this missense variant has a deleterious effect on protein structure/function; This substitution is predicted to be within the extracellular loop between the S5 and S6 transmembrane segments of the first homologous domain; Has not been previously published as pathogenic or benign to our knowledge

Mayo Clinic Laboratories, Mayo Clinic
Classification: Uncertain significance. Last evaluated: 2021-06-08. Review status: criteria provided, single submitter. Criteria: ACMG Guidelines, 2015. Collection method: clinical testing. Allele origin: germline.